The following is an entry in ClinVar:

ClinVar aggregate classification (germline): Uncertain significance (1 of 4 stars; one submission).

Allele frequency attached by ClinVar (database versions not stated): gnomAD exomes below 0.00001.
gnomAD v4.1: 3 of 1,614,152 alleles (0.00019%); highest among the groups gnomAD compares: Non-Finnish European, 0.00025%; no homozygotes.

Submission:

Labcorp Genetics (formerly Invitae), Labcorp
Classification: Uncertain significance. Last evaluated: 2021-08-28. Review status: criteria provided, single submitter. Criteria: Invitae Variant Classification Sherloc (09022015). Collection method: clinical testing. Allele origin: germline.
Comment: This sequence change replaces glutamic acid with glycine at codon 2831 of the SZT2 protein (p.Glu2831Gly). The glutamic acid residue is highly conserved and there is a moderate physicochemical difference between glutamic acid and glycine. In summary, the available evidence is currently insufficient to determine the role of this variant in disease. Therefore, it has been classified as a Variant of Uncertain Significance. Algorithms developed to predict the effect of missense changes on protein structure and function are either unavailable or do not agree on the potential impact of this missense change (SIFT: "Deleterious"; PolyPhen-2: "Possibly Damaging"; Align-GVGD: "Class C0"). This variant has not been reported in the literature in individuals affected with SZT2-related conditions. This variant is not present in population databases (ExAC no frequency).

NM_001365999.1(SZT2):c.8663A>G (p.Glu2888Gly)

Gene: SZT2 (SZT2 subunit of KICSTOR complex; plus strand). Cytogenetic location: 1p34.2.
Variant type: single nucleotide variant.
Coding change: c.8663A>G on transcript NM_001365999.1 (MANE Select); coding-DNA position 8663, A replaced by G.
Protein change: p.Glu2888Gly; replaces glutamic acid 2888 with glycine.
Molecular consequence: missense variant.
Genome position (GRCh38, 1-based): chr1:43,443,634, A>G. VCF-style: chr1-43443634-A-G. GRCh37 (hg19) VCF-style: chr1-43909305-A-G.
Other names: c.8492A>G, p.Glu2831Gly (NM_015284.4); short protein forms E2831G, E2888G.
Identifiers: ClinVar variation 1495289 (VCV001495289.6), dbSNP rs1225856760, ClinGen allele CA340040002.